The following is an entry in ClinVar:

ClinVar aggregate classification (germline): Uncertain significance (1 of 4 stars; one submission).

Conditions:
Developmental and epileptic encephalopathy, 31A. Also called: Epileptic encephalopathy, early infantile, 31; Developmental and epileptic encephalopathy, 31. Identifiers: Orphanet 2382, MedGen C4225357, MONDO:0014598, OMIM 616346.

Allele frequency attached by ClinVar (database versions not stated): TOPMed below 0.00001.

Submission:

Labcorp Genetics (formerly Invitae), Labcorp
Classification: Uncertain significance for Developmental and epileptic encephalopathy, 31A. Last evaluated: 2023-04-03. Review status: criteria provided, single submitter. Criteria: Invitae Variant Classification Sherloc (09022015). Collection method: clinical testing. Allele origin: germline.
Comment: In summary, the available evidence is currently insufficient to determine the role of this variant in disease. Therefore, it has been classified as a Variant of Uncertain Significance. Advanced modeling of protein sequence and biophysical properties (such as structural, functional, and spatial information, amino acid conservation, physicochemical variation, residue mobility, and thermodynamic stability) performed at Invitae indicates that this missense variant is expected to disrupt DNM1 protein function. This variant has not been reported in the literature in individuals affected with DNM1-related conditions. This variant is not present in population databases (gnomAD no frequency). This sequence change replaces glycine, which is neutral and non-polar, with valine, which is neutral and non-polar, at codon 524 of the DNM1 protein (p.Gly524Val).

NM_004408.4(DNM1):c.1571G>T (p.Gly524Val)

Gene: DNM1 (dynamin 1; plus strand). Cytogenetic location: 9q34.11.
Variant type: single nucleotide variant.
Coding change: c.1571G>T on transcript NM_004408.4 (MANE Select); coding-DNA position 1571, G replaced by T.
Protein change: p.Gly524Val; replaces glycine 524 with valine.
Molecular consequence: missense variant.
Genome position (GRCh38, 1-based): chr9:128,242,245, G>T. VCF-style: chr9-128242245-G-T. GRCh37 (hg19) VCF-style: chr9-131004524-G-T.
Other names: c.1571G>T, p.Gly524Val (NM_001005336.3, NM_001288737.2, NM_001288738.2 and 2 more transcripts); short protein forms G524V.
Identifiers: ClinVar variation 2851801 (VCV002851801.3), dbSNP rs1424662374, ClinGen allele CA375025755.